The following is an entry in ClinVar:

NM_000426.4(LAMA2):c.6520G>A (p.Val2174Ile)

Gene: LAMA2 (laminin subunit alpha 2; plus strand). Cytogenetic location: 6q22.33.
Variant type: single nucleotide variant.
Coding change: c.6520G>A on transcript NM_000426.4 (MANE Select); coding-DNA position 6520, G replaced by A.
Protein change: p.Val2174Ile; replaces valine 2174 with isoleucine.
Molecular consequence: missense variant.
Genome position (GRCh38, 1-based): chr6:129,453,078, G>A. VCF-style: chr6-129453078-G-A. GRCh37 (hg19) VCF-style: chr6-129774223-G-A.
Other names: c.6520G>A (NM_000426.3); c.6520G>A, p.Val2174Ile (NM_001079823.2); short protein forms V2174I.
Identifiers: ClinVar variation 1447839 (VCV001447839.9), dbSNP rs566853691, ClinGen allele CA3994291.

ClinVar aggregate classification (germline): Uncertain significance. Review status: criteria provided, multiple submitters, no conflicts (2 of 4 stars). 4 submissions from 4 submitters: Uncertain significance (4). Last evaluated 2025-03-11.

Conditions:
Inborn genetic diseases. Identifiers: MedGen C0950123, MeSH D030342.
LAMA2-related muscular dystrophy (LAMA2-RD). Also called: Laminin alpha 2-related dystrophy. Identifiers: MedGen C5679788, MONDO:0100228.
Merosin deficient congenital muscular dystrophy (MDC1A). Also called: Congenital Muscular Dystrophy Type 1A (MDC1A); Congenital merosin-deficient muscular dystrophy 1A. Identifiers: Orphanet 258, MedGen C1263858, MONDO:0011925, OMIM 607855.
Muscular dystrophy, limb-girdle, autosomal recessive 23. Identifiers: Orphanet 565837, MedGen C4748327, MONDO:0029136, OMIM 618138.

Allele frequency attached by ClinVar (database versions not stated): gnomAD 0.00001 and 0.00004; gnomAD exomes 0.00001 and 0.00002; ExAC 0.00002; 1000 Genomes Project 0.00040; 1000 Genomes Project 30x 0.00047.
gnomAD v4.1: 24 of 1,612,956 alleles (0.0015%); highest among the groups gnomAD compares: South Asian, 0.013%; no homozygotes.

Submissions (4):

Revvity Omics, Revvity
Classification: Uncertain significance. Last evaluated: 2025-03-11. Review status: criteria provided, single submitter. Criteria: ACMG Guidelines, 2015. Collection method: clinical testing. Allele origin: germline.

Ambry Genetics
Classification: Uncertain significance for Inborn genetic diseases. Last evaluated: 2023-12-17. Review status: criteria provided, single submitter. Criteria: Ambry Variant Classification Scheme 2023. Collection method: clinical testing. Allele origin: germline.

Fulgent Genetics
Classification: Uncertain significance for Merosin deficient congenital muscular dystrophy; Muscular dystrophy, limb-girdle, autosomal recessive 23. Last evaluated: 2021-11-10. Review status: criteria provided, single submitter. Criteria: ACMG Guidelines, 2015. Collection method: clinical testing. Allele origin: unknown.

Labcorp Genetics (formerly Invitae), Labcorp
Classification: Uncertain significance for LAMA2-related muscular dystrophy. Last evaluated: 2021-09-17. Review status: criteria provided, single submitter. Criteria: Invitae Variant Classification Sherloc (09022015). Collection method: clinical testing. Allele origin: germline.
Comment: This sequence change replaces valine with isoleucine at codon 2174 of the LAMA2 protein (p.Val2174Ile). The valine residue is moderately conserved and there is a small physicochemical difference between valine and isoleucine. This variant is present in population databases (rs566853691, ExAC 0.01%). This variant has not been reported in the literature in individuals with LAMA2-related disease. Algorithms developed to predict the effect of missense changes on protein structure and function are either unavailable or do not agree on the potential impact of this missense change (SIFT: "Tolerated"; PolyPhen-2: "Probably Damaging"; Align-GVGD: "Class C0"). In summary, the available evidence is currently insufficient to determine the role of this variant in disease. Therefore, it has been classified as a Variant of Uncertain Significance.